The following is an entry in ClinVar:

ClinVar aggregate classification (germline): Uncertain significance (1 of 4 stars; one submission).

Conditions:
Inborn genetic diseases. Identifiers: MedGen C0950123, MeSH D030342.

gnomAD v4.1: 8 of 1,609,868 alleles (0.0005%); highest among the groups gnomAD compares: Non-Finnish European, 0.00068%; no homozygotes.

Submission:

Ambry Genetics
Classification: Uncertain significance for Inborn genetic diseases. Last evaluated: 2026-03-03. Review status: criteria provided, single submitter. Criteria: Ambry Variant Classification Scheme 2023. Collection method: clinical testing. Allele origin: germline.
Comment: The p.D184N variant (also known as c.550G>A), located in coding exon 4 of the HAX1 gene, results from a G to A substitution at nucleotide position 550. The aspartic acid at codon 184 is replaced by asparagine, an amino acid with highly similar properties. This amino acid position is conserved. In addition, this alteration is predicted to be tolerated by in silico analysis. Based on the available evidence, the clinical significance of this variant remains unclear.

NM_006118.4(HAX1):c.550G>A (p.Asp184Asn)

Gene: HAX1 (HCLS1 associated protein X-1; plus strand). Cytogenetic location: 1q21.3.
Variant type: single nucleotide variant.
Coding change: c.550G>A on transcript NM_006118.4 (MANE Select); coding-DNA position 550, G replaced by A.
Protein change: p.Asp184Asn; replaces aspartic acid 184 with asparagine.
Molecular consequence: missense variant.
Genome position (GRCh38, 1-based): chr1:154,274,995, G>A. VCF-style: chr1-154274995-G-A. GRCh37 (hg19) VCF-style: chr1-154247471-G-A.
Other names: c.406G>A, p.Asp136Asn (NM_001018837.2); short protein forms D136N, D184N.
Identifiers: ClinVar variation 4826682 (VCV004826682.1).